The following is an entry in ClinVar:

ClinVar aggregate classification (germline): Likely benign (1 of 4 stars; one submission).

Conditions:
SEMA3G-related disorder. Also called: SEMA3G-related condition.

gnomAD v4.1: 11 of 1,613,558 alleles (0.00068%); highest among the groups gnomAD compares: South Asian, 0.0077%; no homozygotes.

Submission:

PreventionGenetics, part of Exact Sciences
Classification: Likely benign for SEMA3G-related condition. Last evaluated: 2026-05-18. Review status: criteria provided, single submitter. Criteria: ACMG Guidelines, 2015. Collection method: clinical testing. Allele origin: germline.
Comment: This variant is classified as likely benign based on ACMG/AMP sequence variant interpretation guidelines (Richards et al. 2015 PMID: 25741868, with internal and published modifications).

NM_020163.3(SEMA3G):c.567G>A (p.Thr189=)

Gene: SEMA3G (semaphorin 3G; minus strand). Cytogenetic location: 3p21.1.
Variant type: single nucleotide variant.
Coding change: c.567G>A on transcript NM_020163.3 (MANE Select); coding-DNA position 567, G replaced by A.
Protein change: p.Thr189=; no amino-acid change (threonine 189 retained).
Molecular consequence: synonymous variant.
Genome position (GRCh38, 1-based): chr3:52,441,674, C>T on the plus strand (G>A on the coding strand, the complement: SEMA3G is on the minus strand). VCF-style: chr3-52441674-C-T. GRCh37 (hg19) VCF-style: chr3-52475690-C-T.
Identifiers: ClinVar variation 4980960 (VCV004980960.1).
Genomic context (GRCh38, chr3:52,441,674, plus strand): 5'-CCGAGGACCTCCACTTCGGAAGATCATGGCCTCTCGCCCCAGGAAGTCAGCAGTGAGACC[C>T]GTGTACAGCTCCCCGTCTGGGGTGGGGGTTGGGGAACAGAGTCAGGGGAGGAGGCCCAGG-3'
Protein context (NP_064548.1, residues 179-199): ASTFIDGELY[Thr189=]GLTADFLGRE